The following is an entry in ClinVar:

NM_015466.4(PTPN23):c.2249_2250del (p.Pro750fs)

Gene: PTPN23 (protein tyrosine phosphatase non-receptor type 23; plus strand). Cytogenetic location: 3p21.31.
Variant type: Deletion.
Coding change: c.2249_2250del on transcript NM_015466.4 (MANE Select); coding-DNA positions 2249 to 2250, 2 bases deleted (CT; older notation c.2249_2250delCT).
Protein change: p.Pro750fs; shifts the reading frame from proline 750.
Molecular consequence: frameshift variant.
Genome position (GRCh38, 1-based): chr3:47,410,047-47,410,048, CT deleted. VCF-style (leftmost placement, unchanged base first): chr3-47410046-CCT-C. GRCh37 (hg19) VCF-style: chr3-47451536-CCT-C.
Other names: c.1871_1872del, p.Pro624fs (NM_001304482.2); short protein forms P624fs, P750fs.
Identifiers: ClinVar variation 1448291 (VCV001448291.6), dbSNP rs767366095, ClinGen allele CA2365990.

ClinVar aggregate classification (germline): Pathogenic (1 of 4 stars; one submission).

Allele frequency attached by ClinVar (database versions not stated): gnomAD 0.00001; gnomAD exomes 0.00001; ExAC 0.00002; TOPMed 0.00002.

Submission:

Labcorp Genetics (formerly Invitae), Labcorp
Classification: Pathogenic. Last evaluated: 2024-07-26. Review status: criteria provided, single submitter. Criteria: Invitae Variant Classification Sherloc (09022015). Collection method: clinical testing. Allele origin: germline.
Comment: This sequence change creates a premature translational stop signal (p.Pro750Argfs*10) in the PTPN23 gene. It is expected to result in an absent or disrupted protein product. Loss-of-function variants in PTPN23 are known to be pathogenic (PMID: 29090338, 29899372). This variant is present in population databases (rs767366095, gnomAD 0.003%). This variant has not been reported in the literature in individuals affected with PTPN23-related conditions. ClinVar contains an entry for this variant (Variation ID: 1448291). For these reasons, this variant has been classified as Pathogenic.

Literature cited by the submitters: PubMed 29090338; PubMed 29899372.